The following is an entry in ClinVar:

ClinVar aggregate classification (germline): Uncertain significance. Review status: criteria provided, multiple submitters, no conflicts (2 of 4 stars). 2 submissions from 2 submitters: Uncertain significance (2). Last evaluated 2021-08-28.

Conditions:
Hereditary cancer-predisposing syndrome. Also called: Neoplastic Syndromes, Hereditary; Hereditary Cancer Syndrome; Hereditary neoplastic syndrome; Tumor predisposition. Identifiers: Orphanet 140162, MedGen C0027672, MeSH D009386, MONDO:0015356.
Ataxia-telangiectasia syndrome (AT). Also called: Cerebello-oculocutaneous telangiectasia; Immunodeficiency with ataxia telangiectasia; Ataxia-telangiectasia, complementation group D; AT, COMPLEMENTATION GROUP C; ATAXIA-TELANGIECTASIA, FRESNO VARIANT; ATAXIA-TELANGIECTASIA, COMPLEMENTATION GROUP A. Identifiers: Orphanet 100, MedGen C0004135, MONDO:0008840, OMIM 208900.

Allele frequency attached by ClinVar (database versions not stated): TOPMed 0.00001; gnomAD 0.00001.

Submissions (2):

Labcorp Genetics (formerly Invitae), Labcorp
Classification: Uncertain significance for Ataxia-telangiectasia syndrome. Last evaluated: 2021-08-28. Review status: criteria provided, single submitter. Criteria: Invitae Variant Classification Sherloc (09022015). Collection method: clinical testing. Allele origin: germline.
Comment: This sequence change replaces asparagine with aspartic acid at codon 883 of the ATM protein (p.Asn883Asp). The asparagine residue is weakly conserved and there is a small physicochemical difference between asparagine and aspartic acid. This variant is not present in population databases (ExAC no frequency). This variant has not been reported in the literature in individuals affected with ATM-related conditions. ClinVar contains an entry for this variant (Variation ID: 142322). Algorithms developed to predict the effect of missense changes on protein structure and function (SIFT, PolyPhen-2, Align-GVGD) all suggest that this variant is likely to be tolerated. In summary, the available evidence is currently insufficient to determine the role of this variant in disease. Therefore, it has been classified as a Variant of Uncertain Significance.

Ambry Genetics
Classification: Uncertain significance for Hereditary cancer-predisposing syndrome. Last evaluated: 2013-09-12. Review status: criteria provided, single submitter. Criteria: Ambry Autosomal Dominant and X-Linked criteria (10/2015). Collection method: clinical testing. Allele origin: germline. Observed: 1 variant allele.
Comment: The p.N883D variant (also known as c.2647A>G) is located in coding exon 17 of the ATM gene. This alteration results from an A to G substitution at nucleotide position 2647. The asparagine at codon 883 is replaced by aspartic acid, an amino acid with some similar properties. This variant was not reported in population-based cohorts in the following databases: Database of Single Nucleotide Polymorphisms (dbSNP), NHLBI Exome Sequencing Project (ESP) and 1000 Genomes Project. To date, this alteration has been detected with an allele frequency of approximately 0.02% (greater than 4300 alleles tested) in our clinical cohort (includes this individual). Based on protein sequence alignment, this amino acid position is not well conserved in available vertebrate species. In addition, this alteration is predicted to be tolerated by in silico analysis. Since supporting evidence is limited at this time, the clinical significance of p.N883D remains unclear.

NM_000051.4(ATM):c.2647A>G (p.Asn883Asp)

Gene: ATM (ATM serine/threonine kinase; plus strand). Cytogenetic location: 11q22.3.
Variant type: single nucleotide variant.
Coding change: c.2647A>G on transcript NM_000051.4 (MANE Select); coding-DNA position 2647, A replaced by G.
Protein change: p.Asn883Asp; replaces asparagine 883 with aspartic acid.
Molecular consequence: missense variant.
Genome position (GRCh38, 1-based): chr11:108,268,418, A>G. VCF-style: chr11-108268418-A-G. GRCh37 (hg19) VCF-style: chr11-108139145-A-G.
Other names: c.2647A>G, p.Asn883Asp (NM_001351834.2); short protein forms N883D.
Identifiers: ClinVar variation 142322 (VCV000142322.10), dbSNP rs587782382, ClinGen allele CA168067.